The following is an entry in ClinVar:

ClinVar aggregate classification (germline): Uncertain significance. Review status: criteria provided, multiple submitters, no conflicts (2 of 4 stars). 4 submissions from 4 submitters: Uncertain significance (4). Last evaluated 2025-09-05.

Conditions:
Cardiovascular phenotype. Identifiers: MedGen CN230736.
Osteogenesis imperfecta type I (OI1). Also called: Osteogenesis imperfecta type 1; Lobstein disease; OI, TYPE I; OSTEOGENESIS IMPERFECTA TARDA; OSTEOGENESIS IMPERFECTA WITH BLUE SCLERAE; Lobstein's Disease. Identifiers: Orphanet 216796, Orphanet 666, MedGen C0023931, MONDO:0008146, OMIM 166200. Disease mechanism: loss of function.
Ehlers-Danlos syndrome, classic type, 1 (EDSCL1). Also called: Ehlers-Danlos Syndrome, Classic Type, COL5A1-Related; EHLERS-DANLOS SYNDROME, GRAVIS TYPE; EHLERS-DANLOS SYNDROME, SEVERE CLASSIC TYPE; Ehlers-Danlos syndrome, type 1; EDS I. Identifiers: MedGen C0268335, MONDO:0019567, OMIM 130000.

Allele frequency attached by ClinVar (database versions not stated): gnomAD exomes 0.00001 and 0.00002; TOPMed 0.00002; ExAC 0.00003; gnomAD 0.00001.
gnomAD v4.1: 8 of 1,613,516 alleles (0.0005%); highest among the groups gnomAD compares: Admixed American, 0.0017%; no homozygotes.

Submissions (4):

Ambry Genetics
Classification: Uncertain significance for Cardiovascular phenotype. Last evaluated: 2025-09-05. Review status: criteria provided, single submitter. Criteria: Ambry Variant Classification Scheme 2023. Collection method: clinical testing. Allele origin: germline.
Comment: The p.S1236G variant (also known as c.3706A>G), located in coding exon 50 of the COL1A2 gene, results from an A to G substitution at nucleotide position 3706. The serine at codon 1236 is replaced by glycine, an amino acid with similar properties. This variant was reported in individual(s) with features consistent with COL1A2-related osteogenesis imperfecta/ overlap disorder (Junkiert-Czarnecka A et al. Curr Issues Mol Biol, 2022 Mar;44:1472-1478). This amino acid position is poorly conserved in available vertebrate species. In addition, this alteration is predicted to be tolerated by in silico analysis. Based on the available evidence, the clinical significance of this variant remains unclear. .

Dasa
Classification: Uncertain significance. Last evaluated: 2025-08-17. Review status: criteria provided, single submitter. Criteria: DASA Assertion Criteria. Collection method: clinical testing. Allele origin: germline.
Comment: NM_000089.4(COL1A2):c.3706A>G (p.Ser1236Gly) is a missense variant that results in the substitution of serine with glycine. This variant has been reported in individuals with COL1A2-related disorders. Also, this variant is rare in population databases. The currently available literature and clinical evidence are not sufficient to establish a definitive association between this variant and the reported condition. Therefore, this variant is classified as a variant of uncertain significance.

Labcorp Genetics (formerly Invitae), Labcorp
Classification: Uncertain significance for Osteogenesis imperfecta type I; Ehlers-Danlos syndrome, classic type, 1. Last evaluated: 2025-06-25. Review status: criteria provided, single submitter. Criteria: Invitae Variant Classification Sherloc (09022015). Collection method: clinical testing. Allele origin: germline.
Comment: This sequence change replaces serine, which is neutral and polar, with glycine, which is neutral and non-polar, at codon 1236 of the COL1A2 protein (p.Ser1236Gly). This variant is present in population databases (rs781184808, gnomAD 0.003%). This missense change has been observed in individual(s) with clinical features of COL1A2-related conditions (PMID: 35723357). ClinVar contains an entry for this variant (Variation ID: 1382694). Invitae Evidence Modeling of protein sequence and biophysical properties (such as structural, functional, and spatial information, amino acid conservation, physicochemical variation, residue mobility, and thermodynamic stability) indicates that this missense variant is not expected to disrupt COL1A2 protein function with a negative predictive value of 95%. In summary, the available evidence is currently insufficient to determine the role of this variant in disease. Therefore, it has been classified as a Variant of Uncertain Significance.

GeneDx
Classification: Uncertain significance. Last evaluated: 2024-09-23. Review status: criteria provided, single submitter. Criteria: GeneDx Variant Classification Process June 2021. Collection method: clinical testing. Allele origin: germline. Affected: yes.
Comment: Has been reported in a patient with classical Ehlers-Danlos syndrome (cEDS) (PMID: 35723357); Not observed at significant frequency in large population cohorts (gnomAD); In silico analysis indicates that this missense variant does not alter protein structure/function; Not located in the triple helical region, where the majority of pathogenic missense variants occur (HGMD); This variant is associated with the following publications: (PMID: 35723357)

Literature cited by the submitters: PubMed 35723357 (cited by Ambry Genetics and Labcorp Genetics (formerly Invitae), Labcorp).

NM_000089.4(COL1A2):c.3706A>G (p.Ser1236Gly)

Gene: COL1A2 (collagen type I alpha 2 chain; plus strand). Cytogenetic location: 7q21.3.
Variant type: single nucleotide variant.
Coding change: c.3706A>G on transcript NM_000089.4 (MANE Select); coding-DNA position 3706, A replaced by G.
Protein change: p.Ser1236Gly; replaces serine 1236 with glycine.
Molecular consequence: missense variant.
Genome position (GRCh38, 1-based): chr7:94,428,472, A>G. VCF-style: chr7-94428472-A-G. GRCh37 (hg19) VCF-style: chr7-94057784-A-G.
Other names: c.3706A>G (NM_000089.3); short protein forms S1236G.
Identifiers: ClinVar variation 1382694 (VCV001382694.10), dbSNP rs781184808, ClinGen allele CA4347819.